The following is an entry in ClinVar:

ClinVar aggregate classification (germline): Uncertain significance (1 of 4 stars; one submission).

Conditions:
TTN-related disorder. Also called: TTN-related disorders; TTN-related condition; TTN-related disease.

gnomAD v4.1: 15 of 1,613,126 alleles (0.00093%); highest among the groups gnomAD compares: Admixed American, 0.025%; no homozygotes.

Submission:

PreventionGenetics, part of Exact Sciences
Classification: Uncertain significance for TTN-related condition. Last evaluated: 2026-01-14. Review status: criteria provided, single submitter. Criteria: ACMG Guidelines, 2015. Collection method: clinical testing. Allele origin: germline.
Comment: The TTN c.19279C>T variant is predicted to result in the amino acid substitution p.Pro6427Ser. To our knowledge, this variant has not been reported in the literature. This variant is reported in 0.029% of alleles in individuals of Latino descent in gnomAD. At this time, the clinical significance of this variant is uncertain due to the absence of conclusive functional and genetic evidence.

NM_001267550.2(TTN):c.19279C>T (p.Pro6427Ser)

Gene: TTN (titin; minus strand). Cytogenetic location: 2q31.2.
Variant type: single nucleotide variant.
Coding change: c.19279C>T on transcript NM_001267550.2 (MANE Select); coding-DNA position 19279, C replaced by T.
Protein change: p.Pro6427Ser; replaces proline 6427 with serine.
Molecular consequence: missense variant. On other transcripts: intron variant (3).
Genome position (GRCh38, 1-based): chr2:178,728,647, G>A on the plus strand (C>T on the coding strand, the complement: TTN is on the minus strand). VCF-style: chr2-178728647-G-A. GRCh37 (hg19) VCF-style: chr2-179593374-G-A.
Other names: c.18328C>T, p.Pro6110Ser (NM_001256850.1); c.15547C>T, p.Pro5183Ser (NM_133378.4); c.13282+9435C>T (NM_003319.4); c.13858+9435C>T (NM_133437.4); c.13657+9435C>T (NM_133432.3); short protein forms P6427S, P5183S, P6110S.
Identifiers: ClinVar variation 4992544 (VCV004992544.1).